The following is an entry in ClinVar:

ClinVar aggregate classification (germline): Uncertain significance (1 of 4 stars; one submission).

gnomAD v4.1: 1 of 1,613,256 alleles (0.000062%); highest among the groups gnomAD compares: East Asian, 0.0022%; no homozygotes.

Submission:

GeneDx
Classification: Uncertain significance. Last evaluated: 2023-12-05. Review status: criteria provided, single submitter. Criteria: GeneDx Variant Classification Process June 2021. Collection method: clinical testing. Allele origin: germline. Affected: yes.
Comment: Not observed at significant frequency in large population cohorts (gnomAD); In silico analysis supports that this missense variant has a deleterious effect on protein structure/function; Has not been previously published as pathogenic or benign to our knowledge

NM_006231.4(POLE):c.4814A>G (p.Glu1605Gly)

Gene: POLE (DNA polymerase epsilon, catalytic subunit; minus strand). Cytogenetic location: 12q24.33.
Variant type: single nucleotide variant.
Coding change: c.4814A>G on transcript NM_006231.4 (MANE Select); coding-DNA position 4814, A replaced by G.
Protein change: p.Glu1605Gly; replaces glutamic acid 1605 with glycine.
Molecular consequence: missense variant.
Genome position (GRCh38, 1-based): chr12:132,642,644, T>C on the plus strand (A>G on the coding strand, the complement: POLE is on the minus strand). VCF-style: chr12-132642644-T-C. GRCh37 (hg19) VCF-style: chr12-133219230-T-C.
Other names: short protein forms E1605G.
Identifiers: ClinVar variation 3364716 (VCV003364716.1).